The following is an entry in ClinVar:

NM_001102469.2(LIPN):c.355A>T (p.Ser119Cys)

Gene: LIPN (lipase family member N; plus strand). Cytogenetic location: 10q23.31.
Variant type: single nucleotide variant.
Coding change: c.355A>T on transcript NM_001102469.2 (MANE Select); coding-DNA position 355, A replaced by T.
Protein change: p.Ser119Cys; replaces serine 119 with cysteine.
Molecular consequence: missense variant.
Genome position (GRCh38, 1-based): chr10:88,764,538, A>T. VCF-style: chr10-88764538-A-T. GRCh37 (hg19) VCF-style: chr10-90524295-A-T.
Other names: short protein forms S119C.
Identifiers: ClinVar variation 3119109 (VCV003119109.2), dbSNP rs371934919, ClinGen allele CA5591839.

ClinVar aggregate classification (germline): Uncertain significance. Review status: criteria provided, multiple submitters, no conflicts (2 of 4 stars). 2 submissions from 2 submitters: Uncertain significance (2). Last evaluated 2025-03-07.

Conditions:
LIPN-related disorder. Also called: LIPN-related condition.

Allele frequency attached by ClinVar (database versions not stated): ExAC 0.00002; ESP Exome Variant Server 0.00008; TOPMed 0.00008; gnomAD 0.00009.

Submissions (2):

PreventionGenetics, part of Exact Sciences
Classification: Uncertain significance for LIPN-related condition. Last evaluated: 2025-03-07. Review status: criteria provided, single submitter. Criteria: ACMG Guidelines, 2015. Collection method: clinical testing. Allele origin: germline.
Comment: The LIPN c.355A>T variant is predicted to result in the amino acid substitution p.Ser119Cys. To our knowledge, this variant has not been reported in the literature. This variant is reported in 0.021% of alleles in individuals of African descent in gnomAD. At this time, the clinical significance of this variant is uncertain due to the absence of conclusive functional and genetic evidence.

Ambry Genetics
Classification: Uncertain significance. Last evaluated: 2023-12-20. Review status: criteria provided, single submitter. Criteria: Ambry Variant Classification Scheme 2023. Collection method: clinical testing. Allele origin: germline.